The following is an entry in ClinVar:

NM_001005361.3(DNM2):c.1196+626G>A

Gene: DNM2 (dynamin 2; plus strand). Cytogenetic location: 19p13.2.
Variant type: single nucleotide variant.
Coding change: c.1196+626G>A on transcript NM_001005361.3 (MANE Select); 626 bases into the intron after coding-DNA position 1196, G replaced by A.
Molecular consequence: intron variant. On other transcripts: missense variant (3).
Genome position (GRCh38, 1-based): chr19:10,796,065, G>A. VCF-style: chr19-10796065-G-A. GRCh37 (hg19) VCF-style: chr19-10906741-G-A.
Other names: c.1201G>A, p.Gly401Arg (NM_001005360.3, NM_001190716.2, NM_004945.4); c.1196+626G>A (NM_001005362.3); short protein forms G401R.
Identifiers: ClinVar variation 854972 (VCV000854972.9), dbSNP rs773756665, ClinGen allele CA9201029.
Genomic context (GRCh38, chr19:10,796,065, plus strand): 5'-CATGCTTTGTTTCTCTCTGACTTATCTCCCCTGCCCCCGGGTCTGGACGGTTTCAGGACC[G>A]GGCTTTTCACCCCGGACTTGGCATTCGAGGCCATTGTGAAAAAGCAGGTCGTCAAGCTGA-3'

ClinVar aggregate classification (germline): Uncertain significance (1 of 4 stars; one submission).

Conditions:
Charcot-Marie-Tooth disease dominant intermediate B (CMTDIB). Also called: CHARCOT-MARIE-TOOTH NEUROPATHY, DOMINANT INTERMEDIATE B; Charcot-Marie-Tooth disease dominant intermediate 1; CMT DI1; Charcot-Marie-Tooth disease dominant intermediate I. Identifiers: Orphanet 100044, Orphanet 228179, MedGen C1847902, MONDO:0011674, OMIM 606482.

Allele frequency attached by ClinVar (database versions not stated): gnomAD exomes 0.00001; ExAC 0.00002.

Submission:

Labcorp Genetics (formerly Invitae), Labcorp
Classification: Uncertain significance for Charcot-Marie-Tooth disease dominant intermediate B. Last evaluated: 2019-11-28. Review status: criteria provided, single submitter. Criteria: Invitae Variant Classification Sherloc (09022015). Collection method: clinical testing. Allele origin: germline.
Comment: In summary, the available evidence is currently insufficient to determine the role of this variant in disease. Therefore, it has been classified as a Variant of Uncertain Significance. Algorithms developed to predict the effect of missense changes on protein structure and function (SIFT, PolyPhen-2, Align-GVGD) all suggest that this variant is likely to be disruptive, but these predictions have not been confirmed by published functional studies and their clinical significance is uncertain. This variant has not been reported in the literature in individuals with DNM2-related conditions. This variant is present in population databases (rs773756665, ExAC 0.009%). This sequence change replaces glycine with arginine at codon 401 of the DNM2 protein (p.Gly401Arg). The glycine residue is highly conserved and there is a moderate physicochemical difference between glycine and arginine.